The following is an entry in ClinVar:

ClinVar aggregate classification (germline): Pathogenic/Likely pathogenic. Review status: criteria provided, multiple submitters, no conflicts (2 of 4 stars). 3 submissions from 3 submitters: Pathogenic (2); Likely pathogenic (1). Last evaluated 2026-03-01.

Conditions:
X-linked Emery-Dreifuss muscular dystrophy. Also called: Muscular dystrophy, tardive Emery-Dreifuss type, with contractures. Identifiers: Orphanet 261, Orphanet 98863, MedGen C0751337, MONDO:0010680.

Submissions (3):

CeGaT Center for Human Genetics Tuebingen
Classification: Likely pathogenic. Last evaluated: 2026-03-01. Review status: criteria provided, single submitter. Criteria: CeGaT Center For Human Genetics Tuebingen Variant Classification Criteria Version 2. Collection method: clinical testing. Allele origin: germline. Affected: yes. Observed: 1 variant allele.
Comment: EMD: PVS1:Strong, PM2, PP1, PS1:Supporting, PS4:Supporting

Labcorp Genetics (formerly Invitae), Labcorp
Classification: Pathogenic for X-linked Emery-Dreifuss muscular dystrophy. Last evaluated: 2023-07-17. Review status: criteria provided, single submitter. Criteria: Invitae Variant Classification Sherloc (09022015). Collection method: clinical testing. Allele origin: germline.
Comment: ClinVar contains an entry for this variant (Variation ID: 201772). For these reasons, this variant has been classified as Pathogenic. Algorithms developed to predict the effect of sequence changes on RNA splicing suggest that this variant may disrupt the consensus splice site. Disruption of this splice site has been observed in individuals with X-linked Emery-Dreifuss muscular dystrophy (PMID: 10382909, 26247046). It has also been observed to segregate with disease in related individuals. This variant is not present in population databases (gnomAD no frequency). This sequence change affects a donor splice site in intron 2 of the EMD gene. It is expected to disrupt RNA splicing. Variants that disrupt the donor or acceptor splice site typically lead to a loss of protein function (PMID: 16199547), and loss-of-function variants in EMD are known to be pathogenic (PMID: 24365856).

Molecular Diagnostics Lab, Nemours Children's Health, Delaware
Classification: Pathogenic. Last evaluated: 2016-07-26. Review status: criteria provided, single submitter. Criteria: ACMG Guidelines, 2015. Collection method: clinical testing. Allele origin: maternal. Affected: yes. Observed: 3 heterozygotes.

Literature cited by the submitters: PubMed 10382909 (cited by Labcorp Genetics (formerly Invitae), Labcorp); PubMed 26247046 (cited by Labcorp Genetics (formerly Invitae), Labcorp); PubMed 16199547 (cited by Labcorp Genetics (formerly Invitae), Labcorp); PubMed 24365856 (cited by Labcorp Genetics (formerly Invitae), Labcorp).

NM_000117.3(EMD):c.187+1G>T

Gene: EMD (emerin; plus strand). Cytogenetic location: Xq28.
Variant type: single nucleotide variant.
Coding change: c.187+1G>T on transcript NM_000117.3 (MANE Select); the canonical splice donor site of the intron after coding-DNA position 187, G replaced by T.
Molecular consequence: splice donor variant.
Genome position (GRCh38, 1-based): chrX:154,379,795, G>T. VCF-style: chrX-154379795-G-T. GRCh37 (hg19) VCF-style: chrX-153608155-G-T.
Identifiers: ClinVar variation 201772 (VCV000201772.16), dbSNP rs794729010, ClinGen allele CA335148.
Genomic context (GRCh38, chrX:154,379,795, plus strand): 5'-CCCAGAGGCGGCGGCTCTCGCCCCCCAGCTCGTCCGCCGCCTCCTCTTATAGCTTCTCTG[G>T]TGAGAGCCTCGCCTGTGGGGACAGCCTGGGACGCGGGGAGGATGGGGTCGCGAGGGTGTG-3'